The following is an entry in ClinVar:

NM_014946.4(SPAST):c.1755dup (p.Thr586fs)

Gene: SPAST (spastin; plus strand). Cytogenetic location: 2p22.3.
Variant type: Duplication.
Coding change: c.1755dup on transcript NM_014946.4 (MANE Select); coding-DNA position 1755, one base duplicated (C; older notation c.1755dupC).
Protein change: p.Thr586fs; shifts the reading frame from threonine 586.
Molecular consequence: frameshift variant. On other transcripts: 3 prime UTR variant (1).
Genome position (GRCh38, 1-based): chr2:32,154,400, C duplicated. VCF-style (leftmost placement, unchanged base first): chr2-32154399-T-TC. GRCh37 (hg19) VCF-style: chr2-32379468-T-TC.
Other names: c.1755dupC (NM_014946.4); c.1752dup, p.Thr585fs (NM_001363823.2); c.1656dup, p.Thr553fs (NM_001363875.2); c.*28dup (NM_001377959.1); c.1659dup, p.Thr554fs (NM_199436.2); short protein forms T553fs, T554fs, T585fs, T586fs.
Identifiers: ClinVar variation 4687703 (VCV004687703.1).
Genomic context (GRCh38, chr2:32,154,399, plus strand): 5'-TCATTTGTATTGTCATGTGCTTTTTAAAAATCTAGATGAGAAATATTCGATTATCTGACT[T>TC]CACTGAATCCTTGAAAAAAATAAAACGCAGCGTCAGCCCTCAAACTTTAGAAGCGTACAT-3'

ClinVar aggregate classification (germline): Pathogenic (1 of 4 stars; one submission).

Conditions:
Hereditary spastic paraplegia 4. Also called: Spastic paraplegia 4, autosomal dominant; Spastic Paraplegia 4; Familial spastic paraplegia autosomal dominant 2. Identifiers: Orphanet 100985, MedGen C1866855, MONDO:0008438, OMIM 182601.

Submission:

Women's Health and Genetics/Laboratory Corporation of America, LabCorp
Classification: Pathogenic for Hereditary spastic paraplegia 4. Last evaluated: 2025-10-27. Review status: criteria provided, single submitter. Criteria: LabCorp Variant Classification Summary - May 2015. Collection method: clinical testing. Allele origin: germline.
Comment: Variant summary: SPAST c.1755dupC (p.Thr586HisfsX2) results in a premature termination codon, predicted to cause a truncation of the encoded protein or absence of the protein due to nonsense mediated decay, which are commonly known mechanisms for disease. The variant was absent in 250776 control chromosomes. To our knowledge, no occurrence of c.1755dupC in individuals affected with SPAST-related conditions and no experimental evidence demonstrating its impact on protein function have been reported. However, multiple truncating and missense variants downstream of this change have been classified as pathogenic or likely pathogenic by our own lab or other reputable labs in ClinVar. No submitters have cited clinical-significance assessments for this variant to ClinVar. Based on the evidence outlined above, the variant was classified as pathogenic.